The following is an entry in ClinVar:

NM_004531.5(MOCS2):c.*2357T>C

Gene: MOCS2 (molybdenum cofactor synthesis 2; minus strand). Cytogenetic location: 5q11.2.
Variant type: single nucleotide variant.
Coding change: c.*2357T>C on transcript NM_004531.5 (MANE Select); 2357 bases downstream of the stop codon, T replaced by C.
Molecular consequence: 3 prime UTR variant.
Genome position (GRCh38, 1-based): chr5:53,096,245, A>G on the plus strand (T>C on the coding strand, the complement: MOCS2 is on the minus strand). VCF-style: chr5-53096245-A-G. GRCh37 (hg19) VCF-style: chr5-52392075-A-G.
Other names: c.*2844T>C (NM_176806.4).
Identifiers: ClinVar variation 903788 (VCV000903788.4), dbSNP rs183405612, ClinGen allele CA118882903.
Genomic context (GRCh38, chr5:53,096,245, plus strand): 5'-AGGTGCTCAGTAACTGTGTAAGATGTCTAAATCACTTATTTCTCAAAAAAGGCTGAAAAT[A>G]TATTGTGACTCTATACATCATATCCAAAGGACAAAAATGTCCACAAAATAAGTCACTCAT-3'

ClinVar aggregate classification (germline): Likely benign (1 of 4 stars; one submission).

Conditions:
Sulfite oxidase deficiency due to molybdenum cofactor deficiency type B1 (MOCODB1). Also called: Molybdenum cofactor deficiency B; Molybdenum cofactor deficiency, complementation group B; MOLYBDENUM COFACTOR DEFICIENCY, TYPE B1; Sulfite oxidase deficiency due to molybdenum cofactor deficiency type B. Identifiers: Orphanet 308393, Orphanet 833, MedGen C6065887, MONDO:0009644, OMIM 252160.

Allele frequency attached by ClinVar (database versions not stated): gnomAD 0.00032 and 0.00034; TOPMed 0.00060; 1000 Genomes Project 30x 0.00062; 1000 Genomes Project 0.00080.

Submission:

Illumina Laboratory Services, Illumina
Classification: Likely benign for Sulfite oxidase deficiency due to molybdenum cofactor deficiency type B1. Last evaluated: 2018-01-13. Review status: criteria provided, single submitter. Criteria: ICSL Variant Classification Criteria 13 December 2019. Collection method: clinical testing. Allele origin: germline.
Comment: This variant was observed in the ICSL laboratory as part of a predisposition screen in an ostensibly healthy population. It had not been previously curated by ICSL or reported in the Human Gene Mutation Database (HGMD: prior to June 1st, 2018), and was therefore a candidate for classification through an automated scoring system. Utilizing variant allele frequency, disease prevalence and penetrance estimates, and inheritance mode, an automated score was calculated to assess if this variant is too frequent to cause the disease. Based on the score and internal cut-off values, a variant classified as likely benign is not then subjected to further curation. The score for this variant resulted in a classification of likely benign for this disease.